The following is an entry in ClinVar:

ClinVar aggregate classification (germline): Benign. Review status: criteria provided, multiple submitters, no conflicts (2 of 4 stars). 3 submissions from 3 submitters: Benign (2). 1 of the submissions does not count toward it. Last evaluated 2026-01-26.

Conditions:
PLD1-related disorder. Also called: PLD1-related condition.

Allele frequency attached by ClinVar (database versions not stated): gnomAD exomes 0.00239; ExAC 0.00268; gnomAD 0.00688 and 0.00734; TOPMed 0.00772; ESP Exome Variant Server 0.00792; 1000 Genomes Project 30x 0.00796; 1000 Genomes Project 0.00799.
gnomAD v4.1: 4,728 of 1,613,494 alleles (0.29%); highest among the groups gnomAD compares: African/African-American, 2.1%; 29 homozygotes.

Submissions (3):

Labcorp Genetics (formerly Invitae), Labcorp
Classification: Benign. Last evaluated: 2026-01-26. Review status: criteria provided, single submitter. Criteria: Invitae Variant Classification Sherloc (09022015). Collection method: clinical testing. Allele origin: germline.

Breakthrough Genomics
Classification: Benign. Review status: criteria provided, single submitter. Criteria: ACMG Guidelines, 2015. Collection method: not provided. Allele origin: germline. Inheritance: Autosomal recessive inheritance. Affected: yes.

PreventionGenetics, part of Exact Sciences
Classification: Benign for PLD1-related condition. Last evaluated: 2019-07-10. Review status: no assertion criteria provided. Collection method: clinical testing. Allele origin: germline. Not counted in ClinVar's aggregate classification.
Comment: This variant is classified as benign based on ACMG/AMP sequence variant interpretation guidelines (Richards et al. 2015 PMID: 25741868, with internal and published modifications).

NM_002662.5(PLD1):c.2289C>T (p.His763=)

Gene: PLD1 (phospholipase D1; minus strand). Cytogenetic location: 3q26.31.
Variant type: single nucleotide variant.
Coding change: c.2289C>T on transcript NM_002662.5 (MANE Select); coding-DNA position 2289, C replaced by T.
Protein change: p.His763=; no amino-acid change (histidine 763 retained).
Molecular consequence: synonymous variant.
Genome position (GRCh38, 1-based): chr3:171,662,111, G>A on the plus strand (C>T on the coding strand, the complement: PLD1 is on the minus strand). VCF-style: chr3-171662111-G-A. GRCh37 (hg19) VCF-style: chr3-171379901-G-A.
Other names: c.2175C>T, p.His725= (NM_001130081.3).
Identifiers: ClinVar variation 708887 (VCV000708887.13), dbSNP rs9821754, ClinGen allele CA2704314.